The following is an entry in ClinVar:

NM_001329943.3(KIAA0586):c.4054G>A (p.Glu1352Lys)

Gene: KIAA0586 (KIAA0586; plus strand). Cytogenetic location: 14q23.1.
Variant type: single nucleotide variant.
Coding change: c.4054G>A on transcript NM_001329943.3 (MANE Select); coding-DNA position 4054, G replaced by A.
Protein change: p.Glu1352Lys; replaces glutamic acid 1352 with lysine.
Molecular consequence: missense variant.
Genome position (GRCh38, 1-based): chr14:58,498,846, G>A. VCF-style: chr14-58498846-G-A. GRCh37 (hg19) VCF-style: chr14-58965564-G-A.
Other names: c.4213G>A, p.Glu1405Lys (NM_001244189.2); c.4009G>A, p.Glu1337Lys (NM_001244190.2); c.3799G>A, p.Glu1267Lys (NM_001244191.2, NM_001329945.2, NM_001364700.1 and 1 more transcripts); c.3922G>A, p.Glu1308Lys (NM_001244192.2, NM_001329947.2); c.3634G>A, p.Glu1212Lys (NM_001244193.2); c.4054G>A, p.Glu1352Lys (NM_001329944.2, NM_001329946.2); c.3826G>A, p.Glu1276Lys (NM_014749.5); short protein forms E1212K, E1405K, E1267K, E1308K, E1337K, E1276K, E1352K.
Identifiers: ClinVar variation 2124654 (VCV002124654.4), dbSNP rs2543905185, ClinGen allele CA389885560.

ClinVar aggregate classification (germline): Uncertain significance (1 of 4 stars; one submission).

Conditions:
Joubert syndrome 23 (JBTS23). Identifiers: Orphanet 475, MedGen C4084822, MONDO:0014664, OMIM 616490.
Short-rib thoracic dysplasia 14 with polydactyly (SRTD14). Identifiers: Orphanet 397715, MedGen C4225286, MONDO:0014688, OMIM 616546.

Submission:

Labcorp Genetics (formerly Invitae), Labcorp
Classification: Uncertain significance for Joubert syndrome 23; Short-rib thoracic dysplasia 14 with polydactyly. Last evaluated: 2022-08-20. Review status: criteria provided, single submitter. Criteria: Invitae Variant Classification Sherloc (09022015). Collection method: clinical testing. Allele origin: germline.
Comment: In summary, the available evidence is currently insufficient to determine the role of this variant in disease. Therefore, it has been classified as a Variant of Uncertain Significance. Algorithms developed to predict the effect of missense changes on protein structure and function output the following: SIFT: "Deleterious"; PolyPhen-2: "Benign"; Align-GVGD: "Class C0". The lysine amino acid residue is found in multiple mammalian species, which suggests that this missense change does not adversely affect protein function. This variant has not been reported in the literature in individuals affected with KIAA0586-related conditions. This variant is not present in population databases (gnomAD no frequency). This sequence change replaces glutamic acid, which is acidic and polar, with lysine, which is basic and polar, at codon 1405 of the KIAA0586 protein (p.Glu1405Lys).